The following is an entry in ClinVar:

NM_153689.6(C2orf69):c.204C>T (p.Ser68=)

Gene: C2orf69 (chromosome 2 open reading frame 69; plus strand). Cytogenetic location: 2q33.1.
Variant type: single nucleotide variant.
Coding change: c.204C>T on transcript NM_153689.6 (MANE Select); coding-DNA position 204, C replaced by T.
Protein change: p.Ser68=; no amino-acid change (serine 68 retained).
Molecular consequence: synonymous variant.
Genome position (GRCh38, 1-based): chr2:199,911,642, C>T. VCF-style: chr2-199911642-C-T. GRCh37 (hg19) VCF-style: chr2-200776365-C-T.
Identifiers: ClinVar variation 2651806 (VCV002651806.24), dbSNP rs2077260464, ClinGen allele CA430824937.
Genomic context (GRCh38, chr2:199,911,642, plus strand): 5'-GGTGCGCCGCCGTCAGTGCCTGCAGCTTTCCACCGTGCCTGGAGCCGATCCGCAGCGCAG[C>T]AACGAATTGCTCCTGTTGGCGGCGGCCGGGGAGGGACTGGAGCGGCAGGACCTCCCCGGG-3'
Protein context (NP_710156.3, residues 58-78): STVPGADPQR[Ser68=]NELLLLAAAG

ClinVar aggregate classification (germline): Likely benign (1 of 4 stars; one submission).

Allele frequency attached by ClinVar (database versions not stated): TOPMed below 0.00001; gnomAD exomes 0.00001.
gnomAD v4.1: 3 of 1,549,430 alleles (0.00019%); highest among the groups gnomAD compares: Non-Finnish European, 0.00026%; no homozygotes.

Submission:

CeGaT Center for Human Genetics Tuebingen
Classification: Likely benign. Last evaluated: 2022-04-01. Review status: criteria provided, single submitter. Criteria: CeGaT Center For Human Genetics Tuebingen Variant Classification Criteria Version 2. Collection method: clinical testing. Allele origin: germline. Affected: yes. Observed: 1 variant allele.
Comment: C2orf69: PM2:Supporting, BP4, BP7